The following is an entry in ClinVar:

ClinVar aggregate classification (germline): Uncertain significance (3 of 4 stars; one submission).

Conditions:
von Willebrand disease type 2M (VWD2M). Identifiers: Orphanet 166090, MedGen C1282974, MONDO:0015630.

Submission:

ClinGen von Willebrand Disease Variant Curation Expert Panel, ClinGen
Classification: Uncertain significance for von Willebrand disease type 2M. Last evaluated: 2024-08-13. Review status: reviewed by expert panel. Criteria: ClinGen VWD 2A B M Rules. Collection method: curation. Allele origin: germline. Inheritance: Autosomal dominant inheritance.
Comment: The NM_000552.5(VWF):c.5140G>C (p.Ala1714Pro) missense variant has been reported in one patient (P9; PMID: 28083987), with excessive mucocutaneous bleeding (bleeding score = 7) as well as laboratory phenotypes of a normal multimer pattern, low VWF:RCo/VWF:Ag ratio of 0.69, and abnormal collagen binding assay (VWF:CIIIB: 11.3% and VWF:CIIIB/VWF:Ag ratio 0.31), which together are highly specific for VWD type 2M. (PP4_moderate). This variant is absent from gnomAD v4.1 (PM2_supporting). The computational predictor REVEL gives a score of 0.662, which is above the ClinGen VWD VCEP threshold of >0.644 and predicts a damaging effect on VWF function (PP3). In summary, the variant meets the criteria to be classified as Uncertain Significance for von Willebrand disease type 2M based on the ACMG/AMP criteria applied, as specified by the ClinGen VWD VCEP: PP3, PP4_moderate, and PM2_supporting.

NM_000552.5(VWF):c.5140G>C (p.Ala1714Pro)

Gene: VWF (von Willebrand factor; minus strand). Cytogenetic location: 12p13.31.
Variant type: single nucleotide variant.
Coding change: c.5140G>C on transcript NM_000552.5 (MANE Select); coding-DNA position 5140, G replaced by C.
Protein change: p.Ala1714Pro; replaces alanine 1714 with proline.
Molecular consequence: missense variant.
Genome position (GRCh38, 1-based): chr12:6,016,784, C>G on the plus strand (G>C on the coding strand, the complement: VWF is on the minus strand). VCF-style: chr12-6016784-C-G. GRCh37 (hg19) VCF-style: chr12-6125950-C-G.
Other names: NM_000552.5:c.5140G>C; short protein forms A1714P.
Identifiers: ClinVar variation 3393379 (VCV003393379.1).